The following is an entry in ClinVar:

NM_020821.3(VPS13C):c.6181G>A (p.Ala2061Thr)

Gene: VPS13C (vacuolar protein sorting 13 homolog C; minus strand). Cytogenetic location: 15q22.2.
Variant type: single nucleotide variant.
Coding change: c.6181G>A on transcript NM_020821.3 (MANE Select); coding-DNA position 6181, G replaced by A.
Protein change: p.Ala2061Thr; replaces alanine 2061 with threonine.
Molecular consequence: missense variant.
Genome position (GRCh38, 1-based): chr15:61,929,606, C>T on the plus strand (G>A on the coding strand, the complement: VPS13C is on the minus strand). VCF-style: chr15-61929606-C-T. GRCh37 (hg19) VCF-style: chr15-62221805-C-T.
Other names: c.6181G>A, p.Ala2061Thr (NM_001018088.3); c.6052G>A, p.Ala2018Thr (NM_017684.5, NM_018080.4); short protein forms A2061T, A2018T.
Identifiers: ClinVar variation 2070338 (VCV002070338.4), dbSNP rs2547898714, ClinGen allele CA392687361.
Genomic context (GRCh38, chr15:61,929,606, plus strand): 5'-TCTGTGTTTCTTTTGCCACATTTTCTGGACTCTGAGGCACAGCTTTGATAAAGAAATCTG[C>T]CACAGTCATCAGAAATTCCACACTGGCACATACATACAGCTTGTCAAGAACAGCATCAAT-3'
Protein context (NP_065872.1, residues 2051-2071): CASVEFLMTV[Ala2061Thr]DFFIKAVPQS

ClinVar aggregate classification (germline): Uncertain significance (1 of 4 stars; one submission).

Allele frequency attached by ClinVar (database versions not stated): gnomAD exomes below 0.00001.
gnomAD v4.1: 3 of 1,614,040 alleles (0.00019%); highest among the groups gnomAD compares: Admixed American, 0.0017%; no homozygotes.

Submission:

Labcorp Genetics (formerly Invitae), Labcorp
Classification: Uncertain significance. Last evaluated: 2022-04-24. Review status: criteria provided, single submitter. Criteria: Invitae Variant Classification Sherloc (09022015). Collection method: clinical testing. Allele origin: germline.
Comment: In summary, the available evidence is currently insufficient to determine the role of this variant in disease. Therefore, it has been classified as a Variant of Uncertain Significance. Algorithms developed to predict the effect of missense changes on protein structure and function (SIFT, PolyPhen-2, Align-GVGD) all suggest that this variant is likely to be tolerated. This variant has not been reported in the literature in individuals affected with VPS13C-related conditions. This variant is not present in population databases (gnomAD no frequency). This sequence change replaces alanine, which is neutral and non-polar, with threonine, which is neutral and polar, at codon 2061 of the VPS13C protein (p.Ala2061Thr).